The following is an entry in ClinVar:

ClinVar aggregate classification (germline): Uncertain significance (1 of 4 stars; one submission).

Conditions:
Inborn genetic diseases. Identifiers: MedGen C0950123, MeSH D030342.

Submission:

Ambry Genetics
Classification: Uncertain significance for Inborn genetic diseases. Last evaluated: 2025-10-07. Review status: criteria provided, single submitter. Criteria: Ambry Variant Classification Scheme 2023. Collection method: clinical testing. Allele origin: germline.
Comment: The p.Q415L variant (also known as c.1244A>T), located in coding exon 9 of the DNMT3A gene, results from an A to T substitution at nucleotide position 1244. The glutamine at codon 415 is replaced by leucine, an amino acid with dissimilar properties. This amino acid position is conserved. In addition, this alteration is predicted to be tolerated by in silico analysis. Based on the available evidence, the clinical significance of this variant remains unclear.

NM_022552.5(DNMT3A):c.1244A>T (p.Gln415Leu)

Gene: DNMT3A (DNA methyltransferase 3 alpha; minus strand). Cytogenetic location: 2p23.3.
Variant type: single nucleotide variant.
Coding change: c.1244A>T on transcript NM_022552.5 (MANE Select); coding-DNA position 1244, A replaced by T.
Protein change: p.Gln415Leu; replaces glutamine 415 with leucine.
Molecular consequence: missense variant. On other transcripts: non-coding transcript variant (1).
Genome position (GRCh38, 1-based): chr2:25,246,655, T>A on the plus strand (A>T on the coding strand, the complement: DNMT3A is on the minus strand). VCF-style: chr2-25246655-T-A. GRCh37 (hg19) VCF-style: chr2-25469524-T-A.
Other names: c.788A>T, p.Gln263Leu (NM_001320893.1); c.575A>T, p.Gln192Leu (NM_001375819.1); c.677A>T, p.Gln226Leu (NM_153759.3); c.1244A>T, p.Gln415Leu (NM_175629.2); short protein forms Q226L, Q263L, Q415L, Q192L.
Identifiers: ClinVar variation 4617752 (VCV004617752.1).